The following is an entry in ClinVar:

NM_001458.5(FLNC):c.6233T>C (p.Ile2078Thr)

Genes: FLNC (filamin C; plus strand), FLNC-AS1 (FLNC antisense RNA 1; minus strand). Cytogenetic location: 7q32.1.
Variant type: single nucleotide variant.
Coding change: c.6233T>C on transcript NM_001458.5 (MANE Select); coding-DNA position 6233, T replaced by C.
Protein change: p.Ile2078Thr; replaces isoleucine 2078 with threonine.
Molecular consequence: missense variant.
Genome position (GRCh38, 1-based): chr7:128,853,493, T>C. VCF-style: chr7-128853493-T-C. GRCh37 (hg19) VCF-style: chr7-128493547-T-C.
Other names: c.6134T>C, p.Ile2045Thr (NM_001127487.2); short protein forms I2045T, I2078T.
Identifiers: ClinVar variation 967591 (VCV000967591.16), dbSNP rs780762913, ClinGen allele CA4475925.

ClinVar aggregate classification (germline): Uncertain significance. Review status: criteria provided, multiple submitters, no conflicts (2 of 4 stars). 5 submissions from 5 submitters: Uncertain significance (5). Last evaluated 2026-01-13.

Conditions:
Cardiovascular phenotype. Identifiers: MedGen CN230736.
Myofibrillar myopathy 5. Also called: Filaminopathy (type); FILAMINOPATHY, AUTOSOMAL DOMINANT. Identifiers: Orphanet 171445, MedGen C1836050, MONDO:0012289, OMIM 609524.
Distal myopathy with posterior leg and anterior hand involvement. Also called: WILLIAMS DISTAL MYOPATHY. Identifiers: Orphanet 63273, MedGen C3279722, MONDO:0013550, OMIM 614065.
Hypertrophic cardiomyopathy 26. Also called: Cardiomyopathy, familial hypertrophic, 26. Identifiers: Orphanet 75249, MedGen C4310749, MONDO:0014883, OMIM 617047.

Allele frequency attached by ClinVar (database versions not stated): gnomAD exomes below 0.00001; TOPMed below 0.00001; ExAC 0.00001; gnomAD 0.00001.
gnomAD v4.1: 3 of 1,613,834 alleles (0.00019%); highest among the groups gnomAD compares: South Asian, 0.0011%; no homozygotes.

Submissions (5):

Labcorp Genetics (formerly Invitae), Labcorp
Classification: Uncertain significance for Distal myopathy with posterior leg and anterior hand involvement; Myofibrillar myopathy 5; Hypertrophic cardiomyopathy 26. Last evaluated: 2026-01-13. Review status: criteria provided, single submitter. Criteria: Invitae Variant Classification Sherloc (09022015). Collection method: clinical testing. Allele origin: germline.
Comment: This sequence change replaces isoleucine, which is neutral and non-polar, with threonine, which is neutral and polar, at codon 2078 of the FLNC protein (p.Ile2078Thr). This variant is present in population databases (rs780762913, gnomAD 0.003%). This variant has not been reported in the literature in individuals affected with FLNC-related conditions. ClinVar contains an entry for this variant (Variation ID: 967591). Invitae Evidence Modeling of protein sequence and biophysical properties (such as structural, functional, and spatial information, amino acid conservation, physicochemical variation, residue mobility, and thermodynamic stability) has been performed for this missense variant. However, the output from this modeling did not meet the statistical confidence thresholds required to predict the impact of this variant on FLNC protein function. In summary, the available evidence is currently insufficient to determine the role of this variant in disease. Therefore, it has been classified as a Variant of Uncertain Significance.

Ambry Genetics
Classification: Uncertain significance for Cardiovascular phenotype. Last evaluated: 2025-05-24. Review status: criteria provided, single submitter. Criteria: Ambry Variant Classification Scheme 2023. Collection method: clinical testing. Allele origin: germline.
Comment: The p.I2078T variant (also known as c.6233T>C), located in coding exon 38 of the FLNC gene, results from a T to C substitution at nucleotide position 6233. The isoleucine at codon 2078 is replaced by threonine, an amino acid with similar properties. This amino acid position is well conserved in available vertebrate species. In addition, this alteration is predicted to be deleterious by in silico analysis. Since supporting evidence is limited at this time, the clinical significance of this alteration remains unclear.

Blueprint Genetics
Classification: Uncertain significance. Last evaluated: 2024-08-08. Review status: criteria provided, single submitter. Criteria: ACMG Guidelines, 2015. Collection method: clinical testing. Allele origin: germline.

Victorian Clinical Genetics Services, Murdoch Childrens Research Institute
Classification: Uncertain significance for Hypertrophic cardiomyopathy 26. Last evaluated: 2020-06-11. Review status: criteria provided, single submitter. Criteria: ACMG Guidelines, 2015. Collection method: clinical testing. Allele origin: germline. Inheritance: Autosomal dominant inheritance. Affected: yes.
Comment: Based on the classification scheme VCGS_Germline_v1.1.1, this variant is classified as 3B-VUS. Following criteria are met: 0103 - Both loss- and gain-of-function are known mechanisms of disease for this gene (PMID: 23109048). (N) 0107 - This gene is known to be associated with autosomal dominant disease. (N) 0200 - Variant is predicted to result in a missense amino acid change from isoleucine to threonone (exon 38). (N) 0251 - Variant is heterozygous. (N) 0302 - Variant is present in gnomAD <0.001 for a dominant condition (2 heterozygotes, 0 homozygotes). (P) 0501 - Missense variant consistently predicted to be damaging by multiple in-silico tools or highly conserved with a major amino acid change. (P) 0600 - Variant is located in an annotated domain or motif (Filamin-type immunoglobulin domain; NCBI). (N) 0705 - No comparable variants have previous evidence for pathogenicity. (N) 0807 - Variant has not previously been reported in a clinical context. (N) 0905 - No segregation evidence has been identified for this variant. (N) 1007 - No published functional evidence has been identified for this variant. (N) 1208 - Inheritance information for this variant is not currently available. (N) Legend: (P) - Pathogenic, (N) - Neutral, (B) - Benign

GeneDx
Classification: Uncertain significance. Last evaluated: 2019-03-29. Review status: criteria provided, single submitter. Criteria: GeneDx Variant Classification Process June 2021. Collection method: clinical testing. Allele origin: germline. Affected: yes.
Comment: Has not been previously published as pathogenic or benign to our knowledge; In silico analysis, which includes protein predictors and evolutionary conservation, supports a deleterious effect; Not observed at a significant frequency in large population cohorts (Lek et al., 2016)

Literature cited by the submitters: PubMed 23109048 (cited by Victorian Clinical Genetics Services, Murdoch Childrens Research Institute).